The following is an entry in ClinVar:

NM_004656.4(BAP1):c.873G>T (p.Lys291Asn)

Gene: BAP1 (BRCA1 associated deubiquitinase 1; minus strand). Cytogenetic location: 3p21.1.
Variant type: single nucleotide variant.
Coding change: c.873G>T on transcript NM_004656.4 (MANE Select); coding-DNA position 873, G replaced by T.
Protein change: p.Lys291Asn; replaces lysine 291 with asparagine.
Molecular consequence: missense variant.
Genome position (GRCh38, 1-based): chr3:52,405,823, C>A on the plus strand (G>T on the coding strand, the complement: BAP1 is on the minus strand). VCF-style: chr3-52405823-C-A. GRCh37 (hg19) VCF-style: chr3-52439839-C-A.
Other names: c.819G>T, p.Lys273Asn (NM_001410772.1); short protein forms K291N, K273N.
Identifiers: ClinVar variation 4827264 (VCV004827264.1).

ClinVar aggregate classification (germline): Uncertain significance (1 of 4 stars; one submission).

Conditions:
Hereditary cancer-predisposing syndrome. Also called: Neoplastic Syndromes, Hereditary; Tumor predisposition; Hereditary Cancer Syndrome; Hereditary neoplastic syndrome. Identifiers: Orphanet 140162, MedGen C0027672, MeSH D009386, MONDO:0015356.

Submission:

Ambry Genetics
Classification: Uncertain significance for Hereditary cancer-predisposing syndrome. Last evaluated: 2026-01-06. Review status: criteria provided, single submitter. Criteria: Ambry Variant Classification Scheme 2023. Collection method: clinical testing. Allele origin: germline.
Comment: The p.K291N variant (also known as c.873G>T), located in coding exon 10 of the BAP1 gene, results from a G to T substitution at nucleotide position 873. The lysine at codon 291 is replaced by asparagine, an amino acid with similar properties. This amino acid position is conserved. In addition, this alteration is predicted to be tolerated by in silico analysis. Based on the available evidence, the clinical significance of this variant remains unclear.